The following is an entry in ClinVar:

NM_005732.4(RAD50):c.1300G>C (p.Asp434His)

Gene: RAD50 (RAD50 double strand break repair protein; plus strand). Cytogenetic location: 5q31.1.
Variant type: single nucleotide variant.
Coding change: c.1300G>C on transcript NM_005732.4 (MANE Select); coding-DNA position 1300, G replaced by C.
Protein change: p.Asp434His; replaces aspartic acid 434 with histidine.
Molecular consequence: missense variant.
Genome position (GRCh38, 1-based): chr5:132,589,685, G>C. VCF-style: chr5-132589685-G-C. GRCh37 (hg19) VCF-style: chr5-131925377-G-C.
Other names: short protein forms D434H.
Identifiers: ClinVar variation 3224937 (VCV003224937.1), dbSNP rs1750662646, ClinGen allele CA360943722.

ClinVar aggregate classification (germline): Uncertain significance (1 of 4 stars; one submission).

Conditions:
Hereditary cancer-predisposing syndrome. Also called: Neoplastic Syndromes, Hereditary; Tumor predisposition; Hereditary neoplastic syndrome; Hereditary Cancer Syndrome. Identifiers: Orphanet 140162, MedGen C0027672, MeSH D009386, MONDO:0015356.

Submission:

Ambry Genetics
Classification: Uncertain significance for Hereditary cancer-predisposing syndrome. Last evaluated: 2024-01-30. Review status: criteria provided, single submitter. Criteria: Ambry Variant Classification Scheme 2023. Collection method: clinical testing. Allele origin: germline.
Comment: The p.D434H variant (also known as c.1300G>C), located in coding exon 9 of the RAD50 gene, results from a G to C substitution at nucleotide position 1300. The aspartic acid at codon 434 is replaced by histidine, an amino acid with similar properties. This amino acid position is conserved. In addition, the in silico prediction for this alteration is inconclusive. Based on the available evidence, the clinical significance of this alteration remains unclear.